The following is an entry in ClinVar:

ClinVar aggregate classification (germline): Uncertain significance. Review status: criteria provided, multiple submitters, no conflicts (2 of 4 stars). 6 submissions from 6 submitters: Uncertain significance (6). Last evaluated 2025-11-05.

Conditions:
Hereditary cancer-predisposing syndrome. Also called: Tumor predisposition; Neoplastic Syndromes, Hereditary; Hereditary Cancer Syndrome; Hereditary neoplastic syndrome. Identifiers: Orphanet 140162, MedGen C0027672, MeSH D009386, MONDO:0015356.
Familial cancer of breast. Also called: Hereditary breast cancer; BREAST CANCER, FAMILIAL; hereditary breast carcinoma. Identifiers: Orphanet 227535, MedGen C0346153, MONDO:0016419, OMIM 114480. Disease mechanism: loss of function.

Allele frequency attached by ClinVar (database versions not stated): gnomAD exomes 0.00001; ExAC 0.00003.
gnomAD v4.1: 16 of 1,597,546 alleles (0.001%); highest among the groups gnomAD compares: African/African-American, 0.0013%; no homozygotes.

Submissions (6):

Labcorp Genetics (formerly Invitae), Labcorp
Classification: Uncertain significance for Familial cancer of breast. Last evaluated: 2025-11-05. Review status: criteria provided, single submitter. Criteria: Invitae Variant Classification Sherloc (09022015). Collection method: clinical testing. Allele origin: germline.
Comment: This sequence change replaces serine, which is neutral and polar, with leucine, which is neutral and non-polar, at codon 210 of the CHEK2 protein (p.Ser210Leu). This variant is present in population databases (rs767253467, gnomAD 0.005%). This missense change has been observed in individual(s) with breast cancer (PMID: 28779002). ClinVar contains an entry for this variant (Variation ID: 240749). An algorithm developed to predict the effect of missense changes on protein structure and function (PolyPhen-2) suggests that this variant is likely to be tolerated. Experimental studies have shown that this missense change does not substantially affect CHEK2 function (PMID: 37449874). In summary, the available evidence is currently insufficient to determine the role of this variant in disease. Therefore, it has been classified as a Variant of Uncertain Significance.

Ambry Genetics
Classification: Uncertain significance for Hereditary cancer-predisposing syndrome. Last evaluated: 2025-07-17. Review status: criteria provided, single submitter. Criteria: Ambry Variant Classification Scheme 2023. Collection method: clinical testing. Allele origin: germline.
Comment: The p.S210L variant (also known as c.629C>T), located in coding exon 4 of the CHEK2 gene, results from a C to T substitution at nucleotide position 629. The serine at codon 210 is replaced by leucine, an amino acid with dissimilar properties. This alteration has been reported in 1/13087 breast cancer cases and in 0/5488 control individuals in the UK (Decker B et al. J Med Genet, 2017 11;54:732-741). This variant was reported as functional in a study assessing CHEK2-complementation through quantification of KAP1 phosphorylation and CHK2 autophosphorylation in human RPE1-CHEK2-knockout cells (Stolarova L et al. Clin Cancer Res, 2023 Aug;29:3037-3050). This amino acid position is well conserved in available vertebrate species. In addition, this alteration is predicted to be tolerated by in silico analysis. Based on the available evidence, the clinical significance of this variant remains unclear.

Quest Diagnostics Nichols Institute San Juan Capistrano
Classification: Uncertain significance. Last evaluated: 2025-07-03. Review status: criteria provided, single submitter. Criteria: Quest Diagnostics criteria. Collection method: clinical testing. Allele origin: unknown.
Comment: The CHEK2 c.629C>T (p.Ser210Leu) variant has been reported in the published literature in individuals affected with breast cancer (PMID: 28779002 (2017), 33471991 (2021), see also LOVD), 37449874 (2023)), and an individual with a family history of pancreatic cancer (PMID: 33939675 (2001)). This variant has also been observed in a reportedly unaffected individual (PMID: 33471991 (2021), see also LOVD). Assessment of experimental evidence regarding the effect of this variant on protein function suggests it has no effect relevant to disease (PMID: 37449874 (2023)). The frequency of this variant in the general population (Genome Aggregation Database) is uninformative in the assessment of its pathogenicity. Analysis of this variant using bioinformatics tools for the prediction of the effect of amino acid changes on protein structure and function yielded predictions that this variant is benign. Based on the available information, we are unable to determine the clinical significance of this variant.

Color Diagnostics, LLC DBA Color Health
Classification: Uncertain significance for Hereditary cancer-predisposing syndrome. Last evaluated: 2023-11-07. Review status: criteria provided, single submitter. Criteria: ACMG Guidelines, 2015. Collection method: clinical testing. Allele origin: germline.
Comment: This missense variant replaces serine with leucine at codon 210 of the CHEK2 protein. Computational prediction suggests that this variant may not impact protein structure and function (internally defined REVEL score threshold <= 0.5, PMID: 27666373). A complementation assay in human CHEK2-knockout cells showed this variant did not impact CHK2 autophosphorylation or KAP1 phosphorylation (PMID: 37449874). This variant has been reported in at least four individuals affected with breast cancer (PMID: 28779002, 33471991) and in one unaffected individual (PMID: 33471991; Leiden Open Variation Database DB-ID CHEK2_000492). This variant has not been identified in the general population by the Genome Aggregation Database (gnomAD). The available evidence is insufficient to determine the role of this variant in disease conclusively. Therefore, this variant is classified as a Variant of Uncertain Significance.

Women's Health and Genetics/Laboratory Corporation of America, LabCorp
Classification: Uncertain significance. Last evaluated: 2021-11-15. Review status: criteria provided, single submitter. Criteria: LabCorp Variant Classification Summary - May 2015. Collection method: clinical testing. Allele origin: germline.
Comment: Variant summary: CHEK2 c.629C>T (p.Ser210Leu) results in a non-conservative amino acid change in the encoded protein sequence. Three of five in-silico tools predict a damaging effect of the variant on protein function. The variant allele was found at a frequency of 1.3e-05 in 232008 control chromosomes (gnomAD). The available data on variant occurrences in the general population are insufficient to allow any conclusion about variant significance. c.629C>T has been reported in the literature in individuals affected and unaffected with Hereditary Breast And Ovarian Cancer (Dorling_20121) and one individual affected with Pancreatic Cancer (Zhu_2021). To our knowledge, no experimental evidence demonstrating an impact on protein function has been reported. Four clinical diagnostic laboratories have submitted clinical-significance assessments for this variant to ClinVar after 2014 and all laboratories classified the variant as uncertain significance. Based on the evidence outlined above, the variant was classified as uncertain significance.

GeneDx
Classification: Uncertain significance. Last evaluated: 2021-10-11. Review status: criteria provided, single submitter. Criteria: GeneDx Variant Classification Process June 2021. Collection method: clinical testing. Allele origin: germline. Affected: yes.
Comment: Not observed at significant frequency in large population cohorts (Lek et al., 2016); In silico analysis supports that this missense variant has a deleterious effect on protein structure/function; Has not been previously published as pathogenic or benign to our knowledge

Literature cited by the submitters: PubMed 28779002 (cited by 4 submitters); PubMed 37449874 (cited by 4 submitters); PubMed 33471991 (cited by 3 submitters); PubMed 33939675 (cited by Quest Diagnostics Nichols Institute San Juan Capistrano and Women's Health and Genetics/Laboratory Corporation of America, LabCorp).

NM_007194.4(CHEK2):c.629C>T (p.Ser210Leu)

Gene: CHEK2 (checkpoint kinase 2; minus strand). Cytogenetic location: 22q12.1.
Variant type: single nucleotide variant.
Coding change: c.629C>T on transcript NM_007194.4 (MANE Select); coding-DNA position 629, C replaced by T.
Protein change: p.Ser210Leu; replaces serine 210 with leucine.
Molecular consequence: missense variant. On other transcripts: 5 prime UTR variant (2), intron variant (1).
Genome position (GRCh38, 1-based): chr22:28,719,449, G>A on the plus strand (C>T on the coding strand, the complement: CHEK2 is on the minus strand). VCF-style: chr22-28719449-G-A. GRCh37 (hg19) VCF-style: chr22-29115437-G-A.
Other names: c.758C>T, p.Ser253Leu (NM_001005735.3, NM_001438294.1); c.-35C>T (NM_001257387.3, NM_001437942.1); c.722C>T, p.Ser241Leu (NM_001438293.1, NM_001438295.1); c.629C>T, p.Ser210Leu (NM_145862.3); c.482+5437C>T (NM_001349956.3); short protein forms S210L, S253L, S241L.
Identifiers: ClinVar variation 240749 (VCV000240749.24), dbSNP rs767253467, ClinGen allele CA10167929.